The following is an entry in ClinVar:

NM_153717.3(EVC):c.364C>T (p.Pro122Ser)

Gene: EVC (EvC ciliary complex subunit 1; plus strand). Cytogenetic location: 4p16.2.
Variant type: single nucleotide variant.
Coding change: c.364C>T on transcript NM_153717.3 (MANE Select); coding-DNA position 364, C replaced by T.
Protein change: p.Pro122Ser; replaces proline 122 with serine.
Molecular consequence: missense variant.
Genome position (GRCh38, 1-based): chr4:5,729,370, C>T. VCF-style: chr4-5729370-C-T. GRCh37 (hg19) VCF-style: chr4-5731097-C-T.
Other names: c.364C>T, p.Pro122Ser (NM_001306090.2, NM_001306092.2); short protein forms P122S.
Identifiers: ClinVar variation 556108 (VCV000556108.49), dbSNP rs1407007311, ClinGen allele CA356142130.

ClinVar aggregate classification (germline): Conflicting classifications of pathogenicity. Review status: criteria provided, conflicting classifications (1 of 4 stars). 3 submissions from 3 submitters: Likely pathogenic (1); Uncertain significance (1). 1 of the submissions does not count toward it. Last evaluated 2024-12-27.

Conditions:
Ellis-van Creveld syndrome (EVC). Also called: MESOECTODERMAL DYSPLASIA; Chondroectodermal dysplasia. Identifiers: Orphanet 289, MedGen C0013903, MONDO:0009162, OMIM 225500.

Allele frequency attached by ClinVar (database versions not stated): gnomAD exomes below 0.00001; gnomAD 0.00001.
gnomAD v4.1: 10 of 1,613,938 alleles (0.00062%); highest among the groups gnomAD compares: Non-Finnish European, 0.00085%; no homozygotes.

Submissions (3):

Women's Health and Genetics/Laboratory Corporation of America, LabCorp
Classification: Uncertain significance. Last evaluated: 2024-12-27. Review status: criteria provided, single submitter. Criteria: LabCorp Variant Classification Summary - May 2015. Collection method: clinical testing. Allele origin: germline.
Comment: Variant summary: EVC c.364C>T (p.Pro122Ser) results in a non-conservative amino acid change in the encoded protein sequence. Five of five in-silico tools predict a damaging effect of the variant on protein function. The variant allele was found at a frequency of 4e-06 in 251482 control chromosomes. c.364C>T has been reported in the literature in the compound heterozygous state in at least one individual affected with Ellis-van Creveld syndrome (D'Asdia_2013). These data indicate that the variant may be associated with disease. To our knowledge, no experimental evidence demonstrating an impact on protein function has been reported. The following publication have been ascertained in the context of this evaluation (PMID: 23220543). ClinVar contains an entry for this variant (Variation ID: 556108). Based on the evidence outlined above, the variant was classified as VUS-possibly pathogenic.

CeGaT Center for Human Genetics Tuebingen
Classification: Likely pathogenic. Last evaluated: 2019-01-01. Review status: criteria provided, single submitter. Criteria: CeGaT Center For Human Genetics Tuebingen Variant Classification Criteria Version 2. Collection method: clinical testing. Allele origin: germline. Affected: yes. Observed: 1 variant allele.

Counsyl
Classification: Uncertain significance for Ellis-van Creveld syndrome. Last evaluated: 2018-01-12. Review status: no assertion criteria provided. Collection method: clinical testing. Allele origin: unknown. Not counted in ClinVar's aggregate classification.

Literature cited by the submitters: PubMed 23220543 (cited by Women's Health and Genetics/Laboratory Corporation of America, LabCorp and Counsyl).